The following is an entry in ClinVar:

NM_001007553.3(CSDE1):c.1906A>G (p.Ile636Val)

Gene: CSDE1 (cold shock domain containing E1; minus strand). Cytogenetic location: 1p13.2.
Variant type: single nucleotide variant.
Coding change: c.1906A>G on transcript NM_001007553.3 (MANE Select); coding-DNA position 1906, A replaced by G.
Protein change: p.Ile636Val; replaces isoleucine 636 with valine.
Molecular consequence: missense variant.
Genome position (GRCh38, 1-based): chr1:114,720,685, T>C on the plus strand (A>G on the coding strand, the complement: CSDE1 is on the minus strand). VCF-style: chr1-114720685-T-C. GRCh37 (hg19) VCF-style: chr1-115263306-T-C.
Other names: c.1951A>G, p.Ile651Val (NM_001130523.3); c.2044A>G, p.Ile682Val (NM_001242891.2); c.1906A>G, p.Ile636Val (NM_001242892.2); c.1813A>G, p.Ile605Val (NM_001242893.2, NM_007158.6); short protein forms I605V, I636V, I651V, I682V.
Identifiers: ClinVar variation 1700333 (VCV001700333.2), dbSNP rs2101008357, ClinGen allele CA341748458.

ClinVar aggregate classification (germline): Uncertain significance (1 of 4 stars; one submission).

Submission:

GeneDx
Classification: Uncertain significance. Last evaluated: 2022-02-02. Review status: criteria provided, single submitter. Criteria: GeneDx Variant Classification Process June 2021. Collection method: clinical testing. Allele origin: germline. Affected: yes.
Comment: Not observed at significant frequency in large population cohorts (gnomAD); In silico analysis supports that this missense variant does not alter protein structure/function; Has not been previously published as pathogenic or benign to our knowledge